The following is an entry in ClinVar:

ClinVar aggregate classification (germline): Uncertain significance. Review status: criteria provided, multiple submitters, no conflicts (2 of 4 stars). 2 submissions from 2 submitters: Uncertain significance (2). Last evaluated 2025-12-09.

Conditions:
Hereditary cancer-predisposing syndrome. Also called: Neoplastic Syndromes, Hereditary; Tumor predisposition; Hereditary Cancer Syndrome; Hereditary neoplastic syndrome. Identifiers: Orphanet 140162, MedGen C0027672, MeSH D009386, MONDO:0015356.
Gastrointestinal stromal tumor. Also called: Gastrointestinal stromal tumor, somatic; Gastrointestinal stroma tumor. Identifiers: Orphanet 44890, MedGen C0238198, MeSH D046152, MONDO:0011719, OMIM 606764, HP:0100723.

Submissions (2):

Labcorp Genetics (formerly Invitae), Labcorp
Classification: Uncertain significance for Gastrointestinal stromal tumor. Last evaluated: 2025-12-09. Review status: criteria provided, single submitter. Criteria: Invitae Variant Classification Sherloc (09022015). Collection method: clinical testing. Allele origin: germline.
Comment: This sequence change replaces threonine, which is neutral and polar, with isoleucine, which is neutral and non-polar, at codon 740 of the PDGFRA protein (p.Thr740Ile). This variant is not present in population databases (gnomAD no frequency). This variant has not been reported in the literature in individuals affected with PDGFRA-related conditions. ClinVar contains an entry for this variant (Variation ID: 1787889). Invitae Evidence Modeling of protein sequence and biophysical properties (such as structural, functional, and spatial information, amino acid conservation, physicochemical variation, residue mobility, and thermodynamic stability) indicates that this missense variant is not expected to disrupt PDGFRA protein function with a negative predictive value of 80%. In summary, the available evidence is currently insufficient to determine the role of this variant in disease. Therefore, it has been classified as a Variant of Uncertain Significance.

Ambry Genetics
Classification: Uncertain significance for Hereditary cancer-predisposing syndrome. Last evaluated: 2021-10-08. Review status: criteria provided, single submitter. Criteria: Ambry Variant Classification Scheme 2023. Collection method: clinical testing. Allele origin: germline.
Comment: The p.T740I variant (also known as c.2219C>T), located in coding exon 15 of the PDGFRA gene, results from a C to T substitution at nucleotide position 2219. The threonine at codon 740 is replaced by isoleucine, an amino acid with similar properties. This amino acid position is conserved. In addition, the in silico prediction for this alteration is inconclusive. Since supporting evidence is limited at this time, the clinical significance of this alteration remains unclear.

NM_006206.6(PDGFRA):c.2219C>T (p.Thr740Ile)

Gene: PDGFRA (platelet derived growth factor receptor alpha; plus strand). Cytogenetic location: 4q12.
Variant type: single nucleotide variant.
Coding change: c.2219C>T on transcript NM_006206.6 (MANE Select); coding-DNA position 2219, C replaced by T.
Protein change: p.Thr740Ile; replaces threonine 740 with isoleucine.
Molecular consequence: missense variant.
Genome position (GRCh38, 1-based): chr4:54,280,378, C>T. VCF-style: chr4-54280378-C-T. GRCh37 (hg19) VCF-style: chr4-55146545-C-T.
Other names: c.2219C>T, p.Thr740Ile (NM_001347827.2, NM_001347829.2); c.2294C>T, p.Thr765Ile (NM_001347828.2); c.2258C>T, p.Thr753Ile (NM_001347830.2); short protein forms T753I, T765I, T740I.
Identifiers: ClinVar variation 1787889 (VCV001787889.7), dbSNP rs2110324013, ClinGen allele CA356894336.